The following is an entry in ClinVar:

ClinVar aggregate classification (germline): Pathogenic (1 of 4 stars; one submission).

Submission:

Labcorp Genetics (formerly Invitae), Labcorp
Classification: Pathogenic. Last evaluated: 2024-12-15. Review status: criteria provided, single submitter. Criteria: Invitae Variant Classification Sherloc (09022015). Collection method: clinical testing. Allele origin: germline.
Comment: This sequence change creates a premature translational stop signal (p.Tyr350Trpfs*3) in the TTLL5 gene. It is expected to result in an absent or disrupted protein product. Loss-of-function variants in TTLL5 are known to be pathogenic (PMID: 24791901, 27162334). This variant is not present in population databases (gnomAD no frequency). This variant has not been reported in the literature in individuals affected with TTLL5-related conditions. For these reasons, this variant has been classified as Pathogenic.

Literature cited by the submitters: PubMed 24791901; PubMed 27162334.

NM_015072.5(TTLL5):c.1049_1050del (p.Tyr350fs)

Gene: TTLL5 (tubulin tyrosine ligase like 5; plus strand). Cytogenetic location: 14q24.3.
Variant type: Deletion.
Coding change: c.1049_1050del on transcript NM_015072.5 (MANE Select); coding-DNA positions 1049 to 1050, 2 bases deleted (AT; older notation c.1049_1050delAT).
Protein change: p.Tyr350fs; shifts the reading frame from tyrosine 350.
Molecular consequence: frameshift variant.
Genome position (GRCh38, 1-based): chr14:75,732,344-75,732,345, AT deleted; deleting any 2 consecutive bases within chr14:75,732,343-75,732,345 gives the same sequence; the c. name uses the placement nearest the transcript's 3' end. VCF-style (leftmost placement, unchanged base first): chr14-75732342-CTA-C. GRCh37 (hg19) VCF-style: chr14-76198685-CTA-C.
Other names: short protein forms Y350fs.
Identifiers: ClinVar variation 3727344 (VCV003727344.2).